The following is an entry in ClinVar:

NM_001845.6(COL4A1):c.818G>A (p.Gly273Glu)

Gene: COL4A1 (collagen type IV alpha 1 chain; minus strand). Cytogenetic location: 13q34.
Variant type: single nucleotide variant.
Coding change: c.818G>A on transcript NM_001845.6 (MANE Select); coding-DNA position 818, G replaced by A.
Protein change: p.Gly273Glu; replaces glycine 273 with glutamic acid.
Molecular consequence: missense variant.
Genome position (GRCh38, 1-based): chr13:110,206,705, C>T on the plus strand (G>A on the coding strand, the complement: COL4A1 is on the minus strand). VCF-style: chr13-110206705-C-T. GRCh37 (hg19) VCF-style: chr13-110859052-C-T.
Other names: c.818G>A, p.Gly273Glu (NM_001303110.2); short protein forms G273E.
Identifiers: ClinVar variation 3708141 (VCV003708141.2).

ClinVar aggregate classification (germline): Uncertain significance (1 of 4 stars; one submission).

gnomAD v4.1: 1 of 1,614,152 alleles (0.000062%); highest among the groups gnomAD compares: Admixed American, 0.0017%; no homozygotes.

Submission:

Labcorp Genetics (formerly Invitae), Labcorp
Classification: Uncertain significance. Last evaluated: 2025-01-15. Review status: criteria provided, single submitter. Criteria: Invitae Variant Classification Sherloc (09022015). Collection method: clinical testing. Allele origin: germline.
Comment: This sequence change replaces glycine, which is neutral and non-polar, with glutamic acid, which is acidic and polar, at codon 273 of the COL4A1 protein (p.Gly273Glu). This variant is present in population databases (rs763265579, gnomAD 0.009%). This variant has not been reported in the literature in individuals affected with COL4A1-related conditions. Invitae Evidence Modeling of protein sequence and biophysical properties (such as structural, functional, and spatial information, amino acid conservation, physicochemical variation, residue mobility, and thermodynamic stability) indicates that this missense variant is not expected to disrupt COL4A1 protein function with a negative predictive value of 95%. In summary, the available evidence is currently insufficient to determine the role of this variant in disease. Therefore, it has been classified as a Variant of Uncertain Significance.